The following is an entry in ClinVar:

ClinVar aggregate classification (germline): Uncertain significance. Review status: criteria provided, multiple submitters, no conflicts (2 of 4 stars). 2 submissions from 2 submitters: Uncertain significance (2). Last evaluated 2025-07-03.

Conditions:
Hereditary cancer-predisposing syndrome. Also called: Tumor predisposition; Hereditary Cancer Syndrome; Hereditary neoplastic syndrome; Neoplastic Syndromes, Hereditary. Identifiers: Orphanet 140162, MedGen C0027672, MeSH D009386, MONDO:0015356.
Familial cancer of breast. Also called: Hereditary breast cancer; BREAST CANCER, FAMILIAL; hereditary breast carcinoma. Identifiers: Orphanet 227535, MedGen C0346153, MONDO:0016419, OMIM 114480. Disease mechanism: loss of function.
Fanconi anemia complementation group J. Also called: BRIP1-Related Fanconi Anemia. Identifiers: Orphanet 84, MedGen C1836860, MONDO:0012187, OMIM 609054.

Submissions (2):

Ambry Genetics
Classification: Uncertain significance for Hereditary cancer-predisposing syndrome. Last evaluated: 2025-07-03. Review status: criteria provided, single submitter. Criteria: Ambry Variant Classification Scheme 2023. Collection method: clinical testing. Allele origin: germline.
Comment: The c.3664delG variant, located in coding exon 19 of the BRIP1 gene, results from a deletion of one nucleotide at nucleotide position 3664, causing a translational frameshift with a predicted alternate stop codon (p.E1222Nfs*8). This alteration occurs at the 3' terminus of theBRIP1 gene, is not expected to trigger nonsense-mediated mRNAdecay, and impacts the last 2.2% of the protein. The exact functional effect of this alteration is unknown. Based on the available evidence, the clinical significance of this variant remains unclear.

Labcorp Genetics (formerly Invitae), Labcorp
Classification: Uncertain significance for Familial cancer of breast; Fanconi anemia complementation group J. Last evaluated: 2024-10-09. Review status: criteria provided, single submitter. Criteria: Invitae Variant Classification Sherloc (09022015). Collection method: clinical testing. Allele origin: germline.
Comment: This sequence change creates a premature translational stop signal (p.Glu1222Asnfs*8) in the BRIP1 gene. While this is not anticipated to result in nonsense mediated decay, it is expected to disrupt the last 28 amino acid(s) of the BRIP1 protein. This variant is not present in population databases (gnomAD no frequency). This variant has not been reported in the literature in individuals affected with BRIP1-related conditions. Experimental studies and prediction algorithms are not available or were not evaluated, and the functional significance of this variant is currently unknown. Algorithms developed to predict the effect of sequence changes on RNA splicing suggest that this variant may create or strengthen a splice site. In summary, the available evidence is currently insufficient to determine the role of this variant in disease. Therefore, it has been classified as a Variant of Uncertain Significance.

NM_032043.3(BRIP1):c.3664del (p.Glu1222fs)

Gene: BRIP1 (BRCA1 interacting DNA helicase 1; minus strand). Cytogenetic location: 17q23.2.
Variant type: Deletion.
Coding change: c.3664del on transcript NM_032043.3 (MANE Select); coding-DNA position 3664, one base deleted (G; older notation c.3664delG).
Protein change: p.Glu1222fs; shifts the reading frame from glutamic acid 1222.
Molecular consequence: frameshift variant.
Genome position (GRCh38, 1-based): chr17:61,683,382, C deleted on the plus strand (G on the coding strand, the reverse complement: BRIP1 is on the minus strand); the first of 2 consecutive C bases (chr17:61,683,382-61,683,383); deleting either gives the same sequence. VCF-style (leftmost placement, unchanged base first): chr17-61683381-TC-T. GRCh37 (hg19) VCF-style: chr17-59760742-TC-T.
Other names: c.3664delG (NM_032043.2); short protein forms E1222fs.
Identifiers: ClinVar variation 3750083 (VCV003750083.3).